The following is an entry in ClinVar:

ClinVar aggregate classification (germline): Uncertain significance (1 of 4 stars; one submission).

gnomAD v4.1: 8 of 1,509,960 alleles (0.00053%); highest among the groups gnomAD compares: African/African-American, 0.0058%; no homozygotes.

Submission:

Labcorp Genetics (formerly Invitae), Labcorp
Classification: Uncertain significance. Last evaluated: 2023-10-13. Review status: criteria provided, single submitter. Criteria: Invitae Variant Classification Sherloc (09022015). Collection method: clinical testing. Allele origin: germline.
Comment: This sequence change replaces valine, which is neutral and non-polar, with methionine, which is neutral and non-polar, at codon 405 of the PRDM13 protein (p.Val405Met). This variant is present in population databases (no rsID available, gnomAD 0.01%). This variant has not been reported in the literature in individuals affected with PRDM13-related conditions. ClinVar contains an entry for this variant (Variation ID: 1391396). An algorithm developed to predict the effect of missense changes on protein structure and function (PolyPhen-2) suggests that this variant is likely to be disruptive. In summary, the available evidence is currently insufficient to determine the role of this variant in disease. Therefore, it has been classified as a Variant of Uncertain Significance.

NM_021620.4(PRDM13):c.1213G>A (p.Val405Met)

Gene: PRDM13 (PR/SET domain 13; plus strand). Cytogenetic location: 6q16.2.
Variant type: single nucleotide variant.
Coding change: c.1213G>A on transcript NM_021620.4 (MANE Select); coding-DNA position 1213, G replaced by A.
Protein change: p.Val405Met; replaces valine 405 with methionine.
Molecular consequence: missense variant.
Genome position (GRCh38, 1-based): chr6:99,613,848, G>A. VCF-style: chr6-99613848-G-A. GRCh37 (hg19) VCF-style: chr6-100061724-G-A.
Other names: short protein forms V405M.
Identifiers: ClinVar variation 1391396 (VCV001391396.6), dbSNP rs754692246, ClinGen allele CA143975556.